The following is an entry in ClinVar:

NM_000548.5(TSC2):c.1286A>G (p.Tyr429Cys)

Gene: TSC2 (TSC complex subunit 2; plus strand). Cytogenetic location: 16p13.3.
Variant type: single nucleotide variant.
Coding change: c.1286A>G on transcript NM_000548.5 (MANE Select); coding-DNA position 1286, A replaced by G.
Protein change: p.Tyr429Cys; replaces tyrosine 429 with cysteine.
Molecular consequence: missense variant.
Genome position (GRCh38, 1-based): chr16:2,062,525, A>G. VCF-style: chr16-2062525-A-G. GRCh37 (hg19) VCF-style: chr16-2112526-A-G.
Other names: c.1286A>G, p.Tyr429Cys (NM_001077183.3, NM_001114382.3, NM_001363528.2 and 3 more transcripts); c.1175A>G, p.Tyr392Cys (NM_001318827.2); c.1139A>G, p.Tyr380Cys (NM_001318829.2); c.686A>G, p.Tyr229Cys (NM_001318831.2); c.1319A>G, p.Tyr440Cys (NM_001318832.2); short protein forms Y429C, Y229C, Y392C, Y440C, Y380C.
Identifiers: ClinVar variation 467858 (VCV000467858.35), dbSNP rs774727624, ClinGen allele CA029149.

ClinVar aggregate classification (germline): Conflicting classifications of pathogenicity. Review status: criteria provided, conflicting classifications (1 of 4 stars). 3 submissions from 3 submitters: Uncertain significance (2); Benign (1). Last evaluated 2025-11-24.

Conditions:
Hereditary cancer-predisposing syndrome. Also called: Hereditary neoplastic syndrome; Tumor predisposition; Neoplastic Syndromes, Hereditary; Hereditary Cancer Syndrome. Identifiers: Orphanet 140162, MedGen C0027672, MeSH D009386, MONDO:0015356.
Tuberous sclerosis 2 (TSC2). Identifiers: Orphanet 805, MedGen C1860707, MONDO:0013199, OMIM 613254.

Allele frequency attached by ClinVar (database versions not stated): gnomAD exomes below 0.00001; ExAC 0.00001; gnomAD 0.00001.
gnomAD v4.1: 2 of 1,612,248 alleles (0.00012%); highest among the groups gnomAD compares: African/African-American, 0.0013%; no homozygotes.

Submissions (3):

Labcorp Genetics (formerly Invitae), Labcorp
Classification: Benign for Tuberous sclerosis 2. Last evaluated: 2025-11-24. Review status: criteria provided, single submitter. Criteria: Invitae Variant Classification Sherloc (09022015). Collection method: clinical testing. Allele origin: germline.

Ambry Genetics
Classification: Uncertain significance for Hereditary cancer-predisposing syndrome. Last evaluated: 2025-02-28. Review status: criteria provided, single submitter. Criteria: Ambry Variant Classification Scheme 2023. Collection method: clinical testing. Allele origin: germline.
Comment: The p.Y429C variant (also known as c.1286A>G), located in coding exon 12 of the TSC2 gene, results from an A to G substitution at nucleotide position 1286. The tyrosine at codon 429 is replaced by cysteine, an amino acid with highly dissimilar properties. This amino acid position is highly conserved in available vertebrate species. In addition, this alteration is predicted to be deleterious by in silico analysis. Based on the available evidence, the clinical significance of this variant remains unclear.

CeGaT Center for Human Genetics Tuebingen
Classification: Uncertain significance. Last evaluated: 2024-03-01. Review status: criteria provided, single submitter. Criteria: CeGaT Center For Human Genetics Tuebingen Variant Classification Criteria Version 2. Collection method: clinical testing. Allele origin: germline. Affected: yes. Observed: 1 variant allele.
Comment: TSC2: PM2